The following is an entry in ClinVar:

ClinVar aggregate classification (germline): Uncertain significance (1 of 4 stars; one submission).

Submission:

Labcorp Genetics (formerly Invitae), Labcorp
Classification: Uncertain significance. Last evaluated: 2023-09-10. Review status: criteria provided, single submitter. Criteria: Invitae Variant Classification Sherloc (09022015). Collection method: clinical testing. Allele origin: germline.
Comment: This variant is not present in population databases (gnomAD no frequency). This variant has not been reported in the literature in individuals affected with SPPL2A-related conditions. Experimental studies and prediction algorithms are not available or were not evaluated, and the functional significance of this variant is currently unknown. In summary, the available evidence is currently insufficient to determine the role of this variant in disease. Therefore, it has been classified as a Variant of Uncertain Significance. This sequence change creates a premature translational stop signal (p.Gln520*) in the SPPL2A gene. While this is not anticipated to result in nonsense mediated decay, it is expected to disrupt the last 1 amino acid(s) of the SPPL2A protein.

NM_032802.4(SPPL2A):c.1558C>T (p.Gln520Ter)

Gene: SPPL2A (signal peptide peptidase like 2A; minus strand). Cytogenetic location: 15q21.2.
Variant type: single nucleotide variant.
Coding change: c.1558C>T on transcript NM_032802.4 (MANE Select); coding-DNA position 1558, C replaced by T.
Protein change: p.Gln520Ter; replaces glutamine 520 with a stop codon.
Molecular consequence: nonsense.
Genome position (GRCh38, 1-based): chr15:50,707,805, G>A on the plus strand (C>T on the coding strand, the complement: SPPL2A is on the minus strand). VCF-style: chr15-50707805-G-A. GRCh37 (hg19) VCF-style: chr15-51000002-G-A.
Other names: short protein forms Q520*.
Identifiers: ClinVar variation 2789114 (VCV002789114.3), dbSNP rs1258217922, ClinGen allele CA392405825.